The following is an entry in ClinVar:

NM_024675.4(PALB2):c.3290C>G (p.Pro1097Arg)

Gene: PALB2 (partner and localizer of BRCA2; minus strand). Cytogenetic location: 16p12.2.
Variant type: single nucleotide variant.
Coding change: c.3290C>G on transcript NM_024675.4 (MANE Select); coding-DNA position 3290, C replaced by G.
Protein change: p.Pro1097Arg; replaces proline 1097 with arginine.
Molecular consequence: missense variant.
Genome position (GRCh38, 1-based): chr16:23,607,924, G>C on the plus strand (C>G on the coding strand, the complement: PALB2 is on the minus strand). VCF-style: chr16-23607924-G-C. GRCh37 (hg19) VCF-style: chr16-23619245-G-C.
Other names: short protein forms P1097R.
Identifiers: ClinVar variation 140834 (VCV000140834.24), dbSNP rs587781308, ClinGen allele CA163694.

ClinVar aggregate classification (germline): Uncertain significance. Review status: criteria provided, multiple submitters, no conflicts (2 of 4 stars). 7 submissions from 7 submitters: Uncertain significance (6). 1 of the submissions does not count toward it. Last evaluated 2026-02-04.

Conditions:
Hereditary cancer-predisposing syndrome. Also called: Neoplastic Syndromes, Hereditary; Tumor predisposition; Hereditary Cancer Syndrome; Hereditary neoplastic syndrome. Identifiers: Orphanet 140162, MedGen C0027672, MeSH D009386, MONDO:0015356.
Familial cancer of breast. Also called: BREAST CANCER, FAMILIAL; Hereditary breast cancer; hereditary breast carcinoma. Identifiers: Orphanet 227535, MedGen C0346153, MONDO:0016419, OMIM 114480. Disease mechanism: loss of function.

Submissions (7):

Labcorp Genetics (formerly Invitae), Labcorp
Classification: Uncertain significance for Familial cancer of breast. Last evaluated: 2026-02-04. Review status: criteria provided, single submitter. Criteria: Invitae Variant Classification Sherloc (09022015). Collection method: clinical testing. Allele origin: germline.
Comment: This sequence change replaces proline, which is neutral and non-polar, with arginine, which is basic and polar, at codon 1097 of the PALB2 protein (p.Pro1097Arg). This variant is not present in population databases (gnomAD no frequency). This missense change has been observed in individual(s) with breast cancer (PMID: 25186627). ClinVar contains an entry for this variant (Variation ID: 140834). An algorithm developed to predict the effect of missense changes on protein structure and function (PolyPhen-2) suggests that this variant is likely to be disruptive. Experimental studies have shown that this missense change affects PALB2 function (PMID: 33964450). In summary, the available evidence is currently insufficient to determine the role of this variant in disease. Therefore, it has been classified as a Variant of Uncertain Significance.

Ambry Genetics
Classification: Uncertain significance for Hereditary cancer-predisposing syndrome. Last evaluated: 2025-03-05. Review status: criteria provided, single submitter. Criteria: Ambry Variant Classification Scheme 2023. Collection method: clinical testing. Allele origin: germline.
Comment: The p.P1097R variant (also known as c.3290C>G), located in coding exon 12 of the PALB2 gene, results from a C to G substitution at nucleotide position 3290. The proline at codon 1097 is replaced by arginine, an amino acid with dissimilar properties. One study identified this alteration in 1/2158 breast cancer patients who were tested with a 25-gene panel (Tung N et al. Cancer. 2015 Jan;121:25-33). This alteration was found to be functionally abnormal in a DNA-repair assay (Brnich SE et al. J Mol Diagn 2021 Jul;23(7):847-864). This amino acid position is highly conserved in available vertebrate species. In addition, this alteration is predicted to be deleterious by in silico analysis. Since supporting evidence is limited at this time, the clinical significance of this alteration remains unclear.

GeneDx
Classification: Uncertain significance. Last evaluated: 2024-05-30. Review status: criteria provided, single submitter. Criteria: GeneDx Variant Classification Process June 2021. Collection method: clinical testing. Allele origin: germline. Affected: yes.
Comment: Not observed at significant frequency in large population cohorts (gnomAD); In silico analysis supports that this missense variant has a deleterious effect on protein structure/function; Observed in an individual with breast cancer (PMID: 25186627); Published functional studies demonstrate abnormal homologous recombination/nonhomologous end-joining DNA repair, but no impact on protein expression (PMID: 33964450); This variant is associated with the following publications: (PMID: 25186627, 33964450, 24485656, 19609323, 20871615)

Baylor Genetics
Classification: Uncertain significance for Familial cancer of breast. Last evaluated: 2024-03-28. Review status: criteria provided, single submitter. Criteria: ACMG Guidelines, 2015. Collection method: clinical testing. Allele origin: unknown.

Quest Diagnostics Nichols Institute San Juan Capistrano
Classification: Uncertain significance. Last evaluated: 2023-03-10. Review status: criteria provided, single submitter. Criteria: Quest Diagnostics criteria. Collection method: clinical testing. Allele origin: unknown.
Comment: It has not been reported in large, multi-ethnic general populations. In the published literature, the variant has been reported in individuals affected with breast cancer (PMID: 25186627 (2015)). A functional study demonstrated abnormal homologous recombination and nonhomologous end-joining DNA repair, however, there was no impact on protein expression or stability (PMID: 33964450 (2021)). Analysis of this variant using bioinformatics tools for the prediction of the effect of amino acid changes on protein structure and function yielded predictions that this variant is damaging. Additional analysis using software algorithms for the prediction of the effect of nucleotide changes on PALB2 mRNA splicing yielded predictions that this variant may result in the gain of a cryptic splice site without affecting the natural splice sites . Based on the available information, we are unable to determine the clinical significance of this variant.

Women's Health and Genetics/Laboratory Corporation of America, LabCorp
Classification: Uncertain significance. Last evaluated: 2017-01-03. Review status: criteria provided, single submitter. Criteria: LabCorp Variant Classification Summary - May 2015. Collection method: clinical testing. Allele origin: germline.
Comment: Variant summary: The PALB2 c.3290C>G (p.Pro1097Arg) variant involves the alteration of a conserved nucleotide. 4/5 in silico tools predict a damaging outcome for this variant. This variant is absent in 121402 control chromosomes. In addition, multiple clinical diagnostic laboratories/reputable databases classified this variant as uncertain significance. The variant of interest has not, to our knowledge, been reported in affected individuals via publications and/or reputable databases/clinical diagnostic laboratories; nor evaluated for functional impact by in vivo/vitro studies. Because of the absence of clinical information and the lack of functional studies, the variant is classified as a variant of uncertain significance (VUS) until additional information becomes available.

Leiden Open Variation Database
Classification: Uncertain significance for Familial cancer of breast. Last evaluated: 2019-05-13. Review status: no assertion criteria provided. Collection method: curation. Allele origin: germline. Affected: yes. Not counted in ClinVar's aggregate classification.
Comment: Curators: Marc Tischkowitz, Arleen D. Auerbach. Submitter to LOVD: Marc Tischkowitz.

Literature cited by the submitters: PubMed 25186627 (cited by 4 submitters); PubMed 33964450 (cited by Labcorp Genetics (formerly Invitae), Labcorp and Quest Diagnostics Nichols Institute San Juan Capistrano).